The following is an entry in ClinVar:

NM_006440.5(TXNRD2):c.431G>T (p.Arg144Leu)

Gene: TXNRD2 (thioredoxin reductase 2; minus strand). Cytogenetic location: 22q11.21.
Variant type: single nucleotide variant.
Coding change: c.431G>T on transcript NM_006440.5 (MANE Select); coding-DNA position 431, G replaced by T.
Protein change: p.Arg144Leu; replaces arginine 144 with leucine.
Molecular consequence: missense variant. On other transcripts: non-coding transcript variant (1).
Genome position (GRCh38, 1-based): chr22:19,918,161, C>A on the plus strand (G>T on the coding strand, the complement: TXNRD2 is on the minus strand). VCF-style: chr22-19918161-C-A. GRCh37 (hg19) VCF-style: chr22-19905684-C-A.
Other names: c.431G>T, p.Arg144Leu (NM_001282512.3); c.428G>T, p.Arg143Leu (NM_001352300.2); c.341G>T, p.Arg114Leu (NM_001352301.2); c.143G>T, p.Arg48Leu (NM_001352302.2); c.335G>T, p.Arg112Leu (NM_001352303.2); short protein forms R112L, R143L, R114L, R48L, R144L.
Identifiers: ClinVar variation 1739692 (VCV001739692.11), dbSNP rs748674090, ClinGen allele CA410693488.

ClinVar aggregate classification (germline): Uncertain significance. Review status: criteria provided, multiple submitters, no conflicts (2 of 4 stars). 2 submissions from 2 submitters: Uncertain significance (2). Last evaluated 2025-02-27.

Conditions:
Primary dilated cardiomyopathy (DCM). Also called: Dilated Cardiomyopathy. Identifiers: Orphanet 217604, MedGen C0007193, MeSH D002311, MONDO:0005021, HP:0001644. Inheritance: Various modes of inheritance.
Cardiovascular phenotype. Identifiers: MedGen CN230736.

Allele frequency attached by ClinVar (database versions not stated): gnomAD 0.00001; TOPMed 0.00001.
gnomAD v4.1: 3 of 1,614,038 alleles (0.00019%); highest among the groups gnomAD compares: Admixed American, 0.005%; no homozygotes.

Submissions (2):

Ambry Genetics
Classification: Uncertain significance for Cardiovascular phenotype. Last evaluated: 2025-02-27. Review status: criteria provided, single submitter. Criteria: Ambry Variant Classification Scheme 2023. Collection method: clinical testing. Allele origin: germline.
Comment: The p.R144L variant (also known as c.431G>T), located in coding exon 5 of the TXNRD2 gene, results from a G to T substitution at nucleotide position 431. The arginine at codon 144 is replaced by leucine, an amino acid with dissimilar properties. This amino acid position is conserved. In addition, the in silico prediction for this alteration is inconclusive. Since supporting evidence is limited at this time, the clinical significance of this alteration remains unclear.

Labcorp Genetics (formerly Invitae), Labcorp
Classification: Uncertain significance for Primary dilated cardiomyopathy. Last evaluated: 2022-07-13. Review status: criteria provided, single submitter. Criteria: Invitae Variant Classification Sherloc (09022015). Collection method: clinical testing. Allele origin: germline.
Comment: In summary, the available evidence is currently insufficient to determine the role of this variant in disease. Therefore, it has been classified as a Variant of Uncertain Significance. Algorithms developed to predict the effect of missense changes on protein structure and function are either unavailable or do not agree on the potential impact of this missense change (SIFT: "Deleterious"; PolyPhen-2: "Benign"; Align-GVGD: "Class C25"). This variant has not been reported in the literature in individuals affected with TXNRD2-related conditions. This variant is present in population databases (no rsID available, gnomAD 0.003%). This sequence change replaces arginine, which is basic and polar, with leucine, which is neutral and non-polar, at codon 144 of the TXNRD2 protein (p.Arg144Leu ).